The following is an entry in ClinVar:

NM_002206.3(ITGA7):c.3203C>T (p.Ala1068Val)

Gene: ITGA7 (integrin subunit alpha 7; minus strand). Cytogenetic location: 12q13.2.
Variant type: single nucleotide variant.
Coding change: c.3203C>T on transcript NM_002206.3 (MANE Select); coding-DNA position 3203, C replaced by T.
Protein change: p.Ala1068Val; replaces alanine 1068 with valine.
Molecular consequence: missense variant.
Genome position (GRCh38, 1-based): chr12:55,685,269, G>A on the plus strand (C>T on the coding strand, the complement: ITGA7 is on the minus strand). VCF-style: chr12-55685269-G-A. GRCh37 (hg19) VCF-style: chr12-56079053-G-A.
Other names: c.3215C>T, p.Ala1072Val (NM_001144996.2); c.2924C>T, p.Ala975Val (NM_001144997.2); c.2876C>T, p.Ala959Val (NM_001367993.1); c.1859C>T, p.Ala620Val (NM_001367994.1); c.3185C>T, p.Ala1062Val (NM_001374465.1); c.3335C>T, p.Ala1112Val (NM_001410977.1); c.3197C>T, p.Ala1066Val (NM_001414029.1); c.3128C>T, p.Ala1043Val (NM_001414030.1); and 5 more; short protein forms A1068V, A975V, A959V, A1072V, A620V, A1062V, A1112V, A1007V.
Identifiers: ClinVar variation 470578 (VCV000470578.12), dbSNP rs139136931, ClinGen allele CA6615273.
Genomic context (GRCh38, chr12:55,685,269, plus strand): 5'-CGGTCTTCCCGAGGAATCTTCACCGCATGGTACTGGGGCACGGTGGCCTCGGGGTGCTTC[G>A]CCCGTTTGAAGAATCCCATCTATAAGGACACCAGGCCAGACCATGAGGAGCCTGAAGAGC-3'
Protein context (NP_002197.2, residues 1058-1078): LLWKMGFFKR[Ala1068Val]KHPEATVPQY

ClinVar aggregate classification (germline): Uncertain significance. Review status: criteria provided, multiple submitters, no conflicts (2 of 4 stars). 3 submissions from 3 submitters: Uncertain significance (3). Last evaluated 2022-09-27.

Conditions:
Congenital muscular dystrophy due to integrin alpha-7 deficiency. Also called: Congenital muscular dystrophy with integrin alpha-7 deficiency; Muscular dystrophy, congenital, due to ITGA7 deficiency; MYOPATHY, CONGENITAL, DUE TO INTEGRIN ALPHA-7 DEFICIENCY. Identifiers: Orphanet 34520, MedGen C2750786, MONDO:0013177, OMIM 613204.

Allele frequency attached by ClinVar (database versions not stated): 1000 Genomes Project 30x 0.00062; TOPMed 0.00070; gnomAD 0.00073 and 0.00076; 1000 Genomes Project 0.00080; gnomAD exomes 0.00080 and 0.00111; ExAC 0.00092; ESP Exome Variant Server 0.00108.

Submissions (3):

Labcorp Genetics (formerly Invitae), Labcorp
Classification: Uncertain significance for Congenital muscular dystrophy due to integrin alpha-7 deficiency. Last evaluated: 2022-09-27. Review status: criteria provided, single submitter. Criteria: Invitae Variant Classification Sherloc (09022015). Collection method: clinical testing. Allele origin: germline.
Comment: This sequence change replaces alanine, which is neutral and non-polar, with valine, which is neutral and non-polar, at codon 1068 of the ITGA7 protein (p.Ala1068Val). This variant is present in population databases (rs139136931, gnomAD 0.1%), and has an allele count higher than expected for a pathogenic variant. This missense change has been observed in individual(s) with developmental disorder (PMID: 31785789). This variant is also known as 12:56079053. ClinVar contains an entry for this variant (Variation ID: 470578). Advanced modeling of protein sequence and biophysical properties (such as structural, functional, and spatial information, amino acid conservation, physicochemical variation, residue mobility, and thermodynamic stability) performed at Invitae indicates that this missense variant is not expected to disrupt ITGA7 protein function. Algorithms developed to predict the effect of sequence changes on RNA splicing suggest that this variant may create or strengthen a splice site. In summary, the available evidence is currently insufficient to determine the role of this variant in disease. Therefore, it has been classified as a Variant of Uncertain Significance.

GeneDx
Classification: Uncertain significance. Last evaluated: 2020-06-03. Review status: criteria provided, single submitter. Criteria: GeneDx Variant Classification Process June 2021. Collection method: clinical testing. Allele origin: germline. Affected: yes.
Comment: In silico analysis supports that this missense variant does not alter protein structure/function; Has not been previously published as pathogenic or benign to our knowledge

Fulgent Genetics
Classification: Uncertain significance for Congenital muscular dystrophy due to integrin alpha-7 deficiency. Last evaluated: 2018-10-31. Review status: criteria provided, single submitter. Criteria: ACMG Guidelines, 2015. Collection method: clinical testing. Allele origin: unknown.

Literature cited by the submitters: PubMed 31785789 (cited by Labcorp Genetics (formerly Invitae), Labcorp).